The following is an entry in ClinVar:

NM_000079.4(CHRNA1):c.1123C>T (p.Pro375Ser)

Gene: CHRNA1 (cholinergic receptor nicotinic alpha 1 subunit; minus strand). Cytogenetic location: 2q31.1.
Variant type: single nucleotide variant.
Coding change: c.1123C>T on transcript NM_000079.4 (MANE Select); coding-DNA position 1123, C replaced by T.
Protein change: p.Pro375Ser; replaces proline 375 with serine.
Molecular consequence: missense variant.
Genome position (GRCh38, 1-based): chr2:174,748,699, G>A on the plus strand (C>T on the coding strand, the complement: CHRNA1 is on the minus strand). VCF-style: chr2-174748699-G-A. GRCh37 (hg19) VCF-style: chr2-175613427-G-A.
Other names: c.1198C>T, p.Pro400Ser (NM_001039523.3); short protein forms P375S, P400S.
Identifiers: ClinVar variation 2062249 (VCV002062249.4), dbSNP rs1683786611, ClinGen allele CA349334774.

ClinVar aggregate classification (germline): Uncertain significance (1 of 4 stars; one submission).

Conditions:
Lethal multiple pterygium syndrome (LMPS). Identifiers: Orphanet 33108, MedGen C1854678, MONDO:0009668, OMIM 253290.

Allele frequency attached by ClinVar (database versions not stated): TOPMed below 0.00001; gnomAD 0.00001.
gnomAD v4.1: 1 of 1,614,076 alleles (0.000062%); highest among the groups gnomAD compares: African/African-American, 0.0013%; no homozygotes.

Submission:

Labcorp Genetics (formerly Invitae), Labcorp
Classification: Uncertain significance for Lethal multiple pterygium syndrome. Last evaluated: 2023-07-28. Review status: criteria provided, single submitter. Criteria: Invitae Variant Classification Sherloc (09022015). Collection method: clinical testing. Allele origin: germline.
Comment: This sequence change replaces proline, which is neutral and non-polar, with serine, which is neutral and polar, at codon 375 of the CHRNA1 protein (p.Pro375Ser). This variant is not present in population databases (gnomAD no frequency). This variant has not been reported in the literature in individuals affected with CHRNA1-related conditions. ClinVar contains an entry for this variant (Variation ID: 2062249). Advanced modeling of protein sequence and biophysical properties (such as structural, functional, and spatial information, amino acid conservation, physicochemical variation, residue mobility, and thermodynamic stability) performed at Invitae indicates that this missense variant is not expected to disrupt CHRNA1 protein function. In summary, the available evidence is currently insufficient to determine the role of this variant in disease. Therefore, it has been classified as a Variant of Uncertain Significance.